The following is an entry in ClinVar:

NM_004974.4(KCNA2):c.1018_1020del (p.Ile340del)

Gene: KCNA2 (potassium voltage-gated channel subfamily A member 2; minus strand). Cytogenetic location: 1p13.3.
Variant type: Deletion.
Coding change: c.1018_1020del on transcript NM_004974.4 (MANE Select); coding-DNA positions 1018 to 1020, 3 bases deleted (ATC; older notation c.1018_1020delATC).
Protein change: p.Ile340del; deletes isoleucine 340.
Molecular consequence: inframe deletion. On other transcripts: intron variant (1).
Genome position (GRCh38, 1-based): chr1:110,603,763-110,603,765, GAT deleted on the plus strand (ATC on the coding strand, the reverse complement: KCNA2 is on the minus strand); deleting any 3 consecutive bases within chr1:110,603,763-110,603,767 gives the same sequence; the c. name uses the placement nearest the transcript's 3' end. VCF-style (leftmost placement, unchanged base first): chr1-110603762-GGAT-G. GRCh37 (hg19) VCF-style: chr1-111146384-GGAT-G.
Other names: c.894+124_894+126del (NM_001204269.2); short protein forms I340del.
Identifiers: ClinVar variation 2027755 (VCV002027755.4), dbSNP rs2524617446, ClinGen allele CA2580060806.

ClinVar aggregate classification (germline): Uncertain significance (1 of 4 stars; one submission).

Conditions:
Developmental and epileptic encephalopathy, 32 (DEE32). Also called: Epileptic encephalopathy, early infantile, 32. Identifiers: Orphanet 442835, MedGen C4225350, MONDO:0014607, OMIM 616366.

Submission:

Labcorp Genetics (formerly Invitae), Labcorp
Classification: Uncertain significance for Developmental and epileptic encephalopathy, 32. Last evaluated: 2022-08-29. Review status: criteria provided, single submitter. Criteria: Invitae Variant Classification Sherloc (09022015). Collection method: clinical testing. Allele origin: germline.
Comment: In summary, the available evidence is currently insufficient to determine the role of this variant in disease. Therefore, it has been classified as a Variant of Uncertain Significance. Experimental studies and prediction algorithms are not available or were not evaluated, and the functional significance of this variant is currently unknown. This variant has not been reported in the literature in individuals affected with KCNA2-related conditions. This variant is not present in population databases (gnomAD no frequency). This variant, c.1018_1020del, results in the deletion of 1 amino acid(s) of the KCNA2 protein (p.Ile340del), but otherwise preserves the integrity of the reading frame.